The following is an entry in ClinVar:

NM_000051.4(ATM):c.2761G>C (p.Ala921Pro)

Gene: ATM (ATM serine/threonine kinase; plus strand). Cytogenetic location: 11q22.3.
Variant type: single nucleotide variant.
Coding change: c.2761G>C on transcript NM_000051.4 (MANE Select); coding-DNA position 2761, G replaced by C.
Protein change: p.Ala921Pro; replaces alanine 921 with proline.
Molecular consequence: missense variant.
Genome position (GRCh38, 1-based): chr11:108,268,532, G>C. VCF-style: chr11-108268532-G-C. GRCh37 (hg19) VCF-style: chr11-108139259-G-C.
Other names: c.2761G>C, p.Ala921Pro (NM_001351834.2); short protein forms A921P.
Identifiers: ClinVar variation 4756604 (VCV004756604.1).
Genomic context (GRCh38, chr11:108,268,532, plus strand): 5'-CTCAAGTTCTTGTGTTTGTGTGTAACTACTGCTCAGACCAATACTGTGTCCTTTAGGGCA[G>C]CTGATATTCGGAGGAAATTGTTAATGTTAATTGATTCTAGCACGCTAGAACCTACCAAAT-3'
Protein context (NP_000042.3, residues 911-931): AQTNTVSFRA[Ala921Pro]DIRRKLLMLI

ClinVar aggregate classification (germline): Uncertain significance (1 of 4 stars; one submission).

Conditions:
Hereditary cancer-predisposing syndrome. Also called: Tumor predisposition; Hereditary Cancer Syndrome; Neoplastic Syndromes, Hereditary; Hereditary neoplastic syndrome. Identifiers: Orphanet 140162, MedGen C0027672, MeSH D009386, MONDO:0015356.

Submission:

Color Diagnostics, LLC DBA Color Health
Classification: Uncertain significance for Hereditary cancer-predisposing syndrome. Last evaluated: 2025-07-07. Review status: criteria provided, single submitter. Criteria: ACMG Guidelines, 2015. Collection method: clinical testing. Allele origin: germline.
Comment: This missense variant replaces alanine with proline at codon 921 of the ATM protein. Computational prediction suggests that this variant may not impact protein structure and function. To our knowledge, functional studies have not been reported for this variant. This variant has not been reported in individuals affected with ATM-related disorders in the literature. This variant has not been identified in the general population by the Genome Aggregation Database (gnomAD). The available evidence is insufficient to determine the role of this variant in disease conclusively. Therefore, this variant is classified as a Variant of Uncertain Significance.